The following is an entry in ClinVar:

NM_000465.4(BARD1):c.1183C>T (p.Pro395Ser)

Gene: BARD1 (BRCA1 associated RING domain 1; minus strand). Cytogenetic location: 2q35.
Variant type: single nucleotide variant.
Coding change: c.1183C>T on transcript NM_000465.4 (MANE Select); coding-DNA position 1183, C replaced by T.
Protein change: p.Pro395Ser; replaces proline 395 with serine.
Molecular consequence: missense variant. On other transcripts: non-coding transcript variant (2), intron variant (3).
Genome position (GRCh38, 1-based): chr2:214,780,691, G>A on the plus strand (C>T on the coding strand, the complement: BARD1 is on the minus strand). VCF-style: chr2-214780691-G-A. GRCh37 (hg19) VCF-style: chr2-215645415-G-A.
Other names: c.1183C>T (NM_000465.2); c.1126C>T, p.Pro376Ser (NM_001282543.2); c.159-28136C>T (NM_001282548.2); c.215+16370C>T (NM_001282545.2); c.364+11606C>T (NM_001282549.2); short protein forms P395S, P376S.
Identifiers: ClinVar variation 582029 (VCV000582029.16), dbSNP rs756647439, ClinGen allele CA350453829.

ClinVar aggregate classification (germline): Uncertain significance. Review status: criteria provided, multiple submitters, no conflicts (2 of 4 stars). 4 submissions from 4 submitters: Uncertain significance (4). Last evaluated 2025-11-15.

Conditions:
Hereditary cancer-predisposing syndrome. Also called: Neoplastic Syndromes, Hereditary; Hereditary Cancer Syndrome; Tumor predisposition; Hereditary neoplastic syndrome. Identifiers: Orphanet 140162, MedGen C0027672, MeSH D009386, MONDO:0015356.
Familial cancer of breast. Also called: Hereditary breast cancer; hereditary breast carcinoma; BREAST CANCER, FAMILIAL. Identifiers: Orphanet 227535, MedGen C0346153, MONDO:0016419, OMIM 114480. Disease mechanism: loss of function.

Submissions (4):

Ambry Genetics
Classification: Uncertain significance for Hereditary cancer-predisposing syndrome. Last evaluated: 2025-11-15. Review status: criteria provided, single submitter. Criteria: Ambry Variant Classification Scheme 2023. Collection method: clinical testing. Allele origin: germline.
Comment: The p.P395S variant (also known as c.1183C>T), located in coding exon 4 of the BARD1 gene, results from a C to T substitution at nucleotide position 1183. The proline at codon 395 is replaced by serine, an amino acid with similar properties. This amino acid position is conserved. In addition, this alteration is predicted to be tolerated by in silico analysis. Since supporting evidence is limited at this time, the clinical significance of this alteration remains unclear.

Labcorp Genetics (formerly Invitae), Labcorp
Classification: Uncertain significance for Familial cancer of breast. Last evaluated: 2024-08-28. Review status: criteria provided, single submitter. Criteria: Invitae Variant Classification Sherloc (09022015). Collection method: clinical testing. Allele origin: germline.
Comment: This sequence change replaces proline, which is neutral and non-polar, with serine, which is neutral and polar, at codon 395 of the BARD1 protein (p.Pro395Ser). This variant is not present in population databases (gnomAD no frequency). This variant has not been reported in the literature in individuals affected with BARD1-related conditions. ClinVar contains an entry for this variant (Variation ID: 582029). An algorithm developed to predict the effect of missense changes on protein structure and function outputs the following: PolyPhen-2: "Benign". The serine amino acid residue is found in multiple mammalian species, which suggests that this missense change does not adversely affect protein function. In summary, the available evidence is currently insufficient to determine the role of this variant in disease. Therefore, it has been classified as a Variant of Uncertain Significance.

Color Diagnostics, LLC DBA Color Health
Classification: Uncertain significance for Hereditary cancer-predisposing syndrome. Last evaluated: 2024-03-06. Review status: criteria provided, single submitter. Criteria: ACMG Guidelines, 2015. Collection method: clinical testing. Allele origin: germline.
Comment: This missense variant replaces proline with serine at codon 395 of the BARD1 protein. Computational prediction suggests that this variant may not impact protein structure and function (internally defined REVEL score threshold <= 0.5, PMID: 27666373). To our knowledge, functional studies have not been reported for this variant. This variant has not been reported in individuals affected with hereditary cancer in the literature. This variant has not been identified in the general population by the Genome Aggregation Database (gnomAD). The available evidence is insufficient to determine the role of this variant in disease conclusively. Therefore, this variant is classified as a Variant of Uncertain Significance.

GeneDx
Classification: Uncertain significance. Last evaluated: 2023-07-31. Review status: criteria provided, single submitter. Criteria: GeneDx Variant Classification Process June 2021. Collection method: clinical testing. Allele origin: germline. Affected: yes.
Comment: Not observed at significant frequency in large population cohorts (gnomAD); In silico analysis supports that this missense variant does not alter protein structure/function; Has not been previously published as pathogenic or benign to our knowledge